The following is an entry in ClinVar:

ClinVar aggregate classification (germline): Uncertain significance (1 of 4 stars; one submission).

Conditions:
Hereditary spastic paraplegia 11. Also called: Spastic paraplegia, mental retardation and thin corpus callosum; Nakamura Osame syndrome; Autosomal recessive hereditary spastic paraplegia, mental impairment, and thin corpus callosum; SPASTIC PARAPLEGIA, AUTOSOMAL RECESSIVE, COMPLICATED, WITH THIN CORPUS CALLOSUM; SPASTIC PARAPLEGIA, AUTOSOMAL RECESSIVE, WITH MENTAL IMPAIRMENT AND THIN CORPUS CALLOSUM; Spastic Paraplegia 11. Identifiers: Orphanet 2822, MedGen C1858479, MONDO:0011445, OMIM 604360.

Allele frequency attached by ClinVar (database versions not stated): gnomAD exomes below 0.00001.
gnomAD v4.1: 1 of 1,612,094 alleles (0.000062%); highest among the groups gnomAD compares: Non-Finnish European, 0.000085%; no homozygotes.

Submission:

Labcorp Genetics (formerly Invitae), Labcorp
Classification: Uncertain significance for Hereditary spastic paraplegia 11. Last evaluated: 2022-06-10. Review status: criteria provided, single submitter. Criteria: Invitae Variant Classification Sherloc (09022015). Collection method: clinical testing. Allele origin: germline.
Comment: This sequence change falls in intron 22 of the SPG11 gene. It does not directly change the encoded amino acid sequence of the SPG11 protein. This variant is not present in population databases (gnomAD no frequency). This variant has not been reported in the literature in individuals affected with SPG11-related conditions. Algorithms developed to predict the effect of sequence changes on RNA splicing suggest that this variant may create or strengthen a splice site. In summary, the available evidence is currently insufficient to determine the role of this variant in disease. Therefore, it has been classified as a Variant of Uncertain Significance.

NM_025137.4(SPG11):c.3892+14T>C

Gene: SPG11 (SPG11 vesicle trafficking associated, spatacsin; minus strand). Cytogenetic location: 15q21.1.
Variant type: single nucleotide variant.
Coding change: c.3892+14T>C on transcript NM_025137.4 (MANE Select); 14 bases into the intron after coding-DNA position 3892, T replaced by C.
Molecular consequence: intron variant.
Genome position (GRCh38, 1-based): chr15:44,598,617, A>G on the plus strand (T>C on the coding strand, the complement: SPG11 is on the minus strand). VCF-style: chr15-44598617-A-G. GRCh37 (hg19) VCF-style: chr15-44890815-A-G.
Other names: c.3892+14T>C (NM_001160227.2).
Identifiers: ClinVar variation 1919234 (VCV001919234.2), dbSNP rs2505393662, ClinGen allele CA2580089701.